The following is an entry in ClinVar:

ClinVar aggregate classification (germline): Pathogenic (1 of 4 stars; one submission).

Conditions:
Hypophosphatemic rickets. Identifiers: MedGen C1704375, MeSH D063730, MONDO:0024300, HP:0004912.

Submission:

Laboratory of Cyto-molecular Genetics, Department of Anatomy, All India Institute of Medical Sciences (AIIMS), New Delhi
Classification: Pathogenic for Hypophosphatemic rickets. Last evaluated: 2022-02-07. Review status: criteria provided, single submitter. Criteria: ACMG Guidelines, 2015. Collection method: clinical testing. Allele origin: de novo. Affected: yes. Observed: 1 variant allele.
Comment: p.(Gln189Hisfs*22); frameshift and premature termination codon (PTC) formation

Literature cited by the submitters: PubMed 35738466.

NM_000444.6(PHEX):c.567_568del (p.Gln189fs)

Gene: PHEX (phosphate regulating endopeptidase X-linked; plus strand). Cytogenetic location: Xp22.11.
Variant type: Deletion.
Coding change: c.567_568del on transcript NM_000444.6 (MANE Select); coding-DNA positions 567 to 568, 2 bases deleted (GA; older notation c.567_568delGA).
Protein change: p.Gln189fs; shifts the reading frame from glutamine 189.
Molecular consequence: frameshift variant.
Genome position (GRCh38, 1-based): chrX:22,077,606-22,077,607, GA deleted; deleting any 2 consecutive bases within chrX:22,077,605-22,077,607 gives the same sequence; the c. name uses the placement nearest the transcript's 3' end. VCF-style (leftmost placement, unchanged base first): chrX-22077604-CAG-C. GRCh37 (hg19) VCF-style: chrX-22095722-CAG-C.
Other names: c.567_568del, p.Gln189fs (NM_001282754.2); short protein forms Q189fs.
Identifiers: ClinVar variation 1339438 (VCV001339438.3), dbSNP rs2147020687, ClinGen allele CA2573055215.